The following is an entry in ClinVar:

ClinVar aggregate classification (germline): Uncertain significance (1 of 4 stars; one submission).

Conditions:
Renal tubular dysgenesis of genetic origin. Also called: PRIMITIVE RENAL TUBULE SYNDROME. Identifiers: Orphanet 97369, MedGen C5681536, MONDO:0009970, OMIM 267430.

gnomAD v4.1: 1 of 1,614,006 alleles (0.000062%); highest among the groups gnomAD compares: South Asian, 0.0011%; no homozygotes.

Submission:

Clinical Genomics Laboratory, Washington University in St. Louis
Classification: Uncertain significance for Renal tubular dysgenesis of genetic origin. Last evaluated: 2024-05-15. Review status: criteria provided, single submitter. Criteria: ACMG Guidelines, 2015. Collection method: clinical testing. Allele origin: germline.
Comment: An ACE c.1681C>A (p.Arg561=) variant was identified. This variant, to our knowledge, has not been reported in the medical literature. and is absent from the general population (gnomAD v.2.1.1), indicating it is not a common variant. Computational predictors indicate that this variant may alter splicing, evidence that correlates to an impact of this variant ACE function. Due to limited information, and based on the ACMG/AMP guidelines for variant interpretation (Richards S et al., PMID: 25741868), the clinical significance of this variant is uncertain at this time.

NM_000789.4(ACE):c.1681C>A (p.Arg561=)

Gene: ACE (angiotensin I converting enzyme; plus strand). Cytogenetic location: 17q23.3.
Variant type: single nucleotide variant.
Coding change: c.1681C>A on transcript NM_000789.4 (MANE Select); coding-DNA position 1681, C replaced by A.
Protein change: p.Arg561=; no amino-acid change (arginine 561 retained).
Molecular consequence: synonymous variant.
Genome position (GRCh38, 1-based): chr17:63,483,943, C>A. VCF-style: chr17-63483943-C-A. GRCh37 (hg19) VCF-style: chr17-61561304-C-A.
Other names: c.1114C>A, p.Arg372= (NM_001382700.1); c.829C>A, p.Arg277= (NM_001382701.1).
Identifiers: ClinVar variation 3600400 (VCV003600400.1).